The following is an entry in ClinVar:

ClinVar aggregate classification (germline): Conflicting classifications of pathogenicity. Review status: criteria provided, conflicting classifications (1 of 4 stars). 7 submissions from 7 submitters: Uncertain significance (1); Benign (2); Likely benign (3). 1 of the submissions does not count toward it. Last evaluated 2026-02-04.

Conditions:
Neuronopathy, distal hereditary motor, autosomal recessive 4. Also called: Autosomal recessive lower motor neuron disease with childhood onset; NEUROPATHY, DISTAL HEREDITARY MOTOR, AUTOSOMAL RECESSIVE 4. Identifiers: Orphanet 206580, MedGen C1970211, MONDO:0012608, OMIM 611067.
Inborn genetic diseases. Identifiers: MedGen C0950123, MeSH D030342.
Charcot-Marie-Tooth disease recessive intermediate C. Also called: CHARCOT-MARIE-TOOTH NEUROPATHY, RECESSIVE INTERMEDIATE C. Identifiers: Orphanet 369867, MedGen C3809309, MONDO:0014154, OMIM 615376.
PLEKHG5-related disorder. Also called: PLEKHG5-related condition.

Allele frequency attached by ClinVar (database versions not stated): ESP Exome Variant Server 0.00046; TOPMed 0.00056; 1000 Genomes Project 30x 0.00078; 1000 Genomes Project 0.00100; gnomAD 0.00233.
gnomAD v4.1: 1,730 of 1,612,446 alleles (0.11%); highest among the groups gnomAD compares: Non-Finnish European, 0.094%; 4 homozygotes.

Submissions (7):

Labcorp Genetics (formerly Invitae), Labcorp
Classification: Benign for Neuronopathy, distal hereditary motor, autosomal recessive 4; Charcot-Marie-Tooth disease recessive intermediate C. Last evaluated: 2026-02-04. Review status: criteria provided, single submitter. Criteria: Invitae Variant Classification Sherloc (09022015). Collection method: clinical testing. Allele origin: germline.

Blueprint Genetics
Classification: Likely benign. Last evaluated: 2024-11-22. Review status: criteria provided, single submitter. Criteria: ACMG Guidelines, 2015. Collection method: clinical testing. Allele origin: germline.

Mayo Clinic Laboratories, Mayo Clinic
Classification: Benign. Last evaluated: 2023-12-04. Review status: criteria provided, single submitter. Criteria: ACMG Guidelines, 2015. Collection method: clinical testing. Allele origin: germline. Observed: 6 variant alleles.
Comment: BA1, BS2, BP4

GeneDx
Classification: Likely benign. Last evaluated: 2021-06-21. Review status: criteria provided, single submitter. Criteria: GeneDx Variant Classification Process June 2021. Collection method: clinical testing. Allele origin: germline. Affected: yes.

Ambry Genetics
Classification: Likely benign for Inborn genetic diseases. Last evaluated: 2019-11-14. Review status: criteria provided, single submitter. Criteria: Ambry Variant Classification Scheme 2023. Collection method: clinical testing. Allele origin: germline.

Illumina Laboratory Services, Illumina
Classification: Uncertain significance for Neuronopathy, distal hereditary motor, autosomal recessive 4. Last evaluated: 2018-01-13. Review status: criteria provided, single submitter. Criteria: ICSL Variant Classification Criteria 13 December 2019. Collection method: clinical testing. Allele origin: germline.

PreventionGenetics, part of Exact Sciences
Classification: Likely benign for PLEKHG5-related condition. Last evaluated: 2020-05-15. Review status: no assertion criteria provided. Collection method: clinical testing. Allele origin: germline. Not counted in ClinVar's aggregate classification.
Comment: This variant is classified as likely benign based on ACMG/AMP sequence variant interpretation guidelines (Richards et al. 2015 PMID: 25741868, with internal and published modifications).

NM_020631.6(PLEKHG5):c.532G>A (p.Gly178Arg)

Gene: PLEKHG5 (pleckstrin homology and RhoGEF domain containing G5; minus strand). Cytogenetic location: 1p36.31.
Variant type: single nucleotide variant.
Coding change: c.532G>A on transcript NM_020631.6 (MANE Select); coding-DNA position 532, G replaced by A.
Protein change: p.Gly178Arg; replaces glycine 178 with arginine.
Molecular consequence: missense variant.
Genome position (GRCh38, 1-based): chr1:6,474,072, C>T on the plus strand (G>A on the coding strand, the complement: PLEKHG5 is on the minus strand). VCF-style: chr1-6474072-C-T. GRCh37 (hg19) VCF-style: chr1-6534132-C-T.
Other names: p.Gly178Arg; c.532G>A (NM_020631.5); c.643G>A, p.Gly215Arg (NM_001042663.3, NM_001265592.2); c.532G>A, p.Gly178Arg (NM_001042664.2, NM_001042665.2, NM_001265594.3 and 1 more transcripts); c.739G>A, p.Gly247Arg (NM_001265593.2); short protein forms G178R, G247R, G215R.
Identifiers: ClinVar variation 297971 (VCV000297971.60), dbSNP rs143484278, ClinGen allele CA561820.